The following is an entry in ClinVar:

ClinVar aggregate classification (germline): Uncertain significance (1 of 4 stars; one submission).

Conditions:
Hereditary motor and sensory neuropathy, Okinawa type (HMSNO). Also called: HEREDITARY MOTOR AND SENSORY NEUROPATHY, PROXIMAL TYPE. Identifiers: Orphanet 90117, MedGen C1858338, MONDO:0011468, OMIM 604484.
Hereditary spastic paraplegia 57. Also called: Spastic paraplegia 57, autosomal recessive. Identifiers: Orphanet 431329, MedGen C3714897, MONDO:0014295, OMIM 615658.

Allele frequency attached by ClinVar (database versions not stated): gnomAD exomes below 0.00001; TOPMed 0.00002.
gnomAD v4.1: 2 of 1,613,876 alleles (0.00012%); highest among the groups gnomAD compares: African/African-American, 0.0013%; no homozygotes.

Submission:

Labcorp Genetics (formerly Invitae), Labcorp
Classification: Uncertain significance for Hereditary motor and sensory neuropathy, Okinawa type; Hereditary spastic paraplegia 57. Last evaluated: 2025-04-17. Review status: criteria provided, single submitter. Criteria: Invitae Variant Classification Sherloc (09022015). Collection method: clinical testing. Allele origin: germline.
Comment: This sequence change replaces aspartic acid, which is acidic and polar, with asparagine, which is neutral and polar, at codon 208 of the TFG protein (p.Asp208Asn). This variant is present in population databases (no rsID available, gnomAD 0.007%). This variant has not been reported in the literature in individuals affected with TFG-related conditions. ClinVar contains an entry for this variant (Variation ID: 1052695). Invitae Evidence Modeling of protein sequence and biophysical properties (such as structural, functional, and spatial information, amino acid conservation, physicochemical variation, residue mobility, and thermodynamic stability) indicates that this missense variant is not expected to disrupt TFG protein function with a negative predictive value of 80%. In summary, the available evidence is currently insufficient to determine the role of this variant in disease. Therefore, it has been classified as a Variant of Uncertain Significance.

NM_006070.6(TFG):c.622G>A (p.Asp208Asn)

Gene: TFG (trafficking from ER to golgi regulator; plus strand). Cytogenetic location: 3q12.2.
Variant type: single nucleotide variant.
Coding change: c.622G>A on transcript NM_006070.6 (MANE Select); coding-DNA position 622, G replaced by A.
Protein change: p.Asp208Asn; replaces aspartic acid 208 with asparagine.
Molecular consequence: missense variant.
Genome position (GRCh38, 1-based): chr3:100,736,617, G>A. VCF-style: chr3-100736617-G-A. GRCh37 (hg19) VCF-style: chr3-100455461-G-A.
Other names: c.622G>A, p.Asp208Asn (NM_001007565.2, NM_001195478.2, NM_001195479.2); short protein forms D208N.
Identifiers: ClinVar variation 1052695 (VCV001052695.7), dbSNP rs34112649, ClinGen allele CA353846883.